The following is an entry in ClinVar:

ClinVar aggregate classification (germline): Pathogenic. Review status: criteria provided, multiple submitters, no conflicts (2 of 4 stars). 3 submissions from 3 submitters: Pathogenic (3). Last evaluated 2023-11-10.

Conditions:
8q24.3 microdeletion syndrome. Also called: Verheij syndrome; CHROMOSOME 8q24.3 DELETION SYNDROME. Identifiers: Orphanet 508488, MedGen C3810023, MONDO:0014263, OMIM 615583.
Intellectual disability. Also called: Intellectual functioning disability; Intellectual developmental disorder; intellectual disabilities. Identifiers: MedGen C3714756, MeSH D008607, MONDO:0001071, HP:0001249.

Submissions (3):

Daryl Scott Lab, Baylor College of Medicine
Classification: Pathogenic for 8q24.3 microdeletion syndrome. Last evaluated: 2023-11-10. Review status: criteria provided, single submitter. Criteria: ACMG Guidelines, 2015. Collection method: clinical testing. Allele origin: de novo. Affected: yes.

Cambridge Genomics Laboratory, East Genomic Laboratory Hub, NHS Genomic Medicine Service
Classification: Pathogenic for Intellectual disability. Last evaluated: 2019-12-30. Review status: criteria provided, single submitter. Criteria: ACGS Best Practice Guidelines for Variant Classification in Rare Disease 2020. Collection method: clinical testing. Allele origin: germline. Affected: yes. Observed: 1 variant allele.

Baylor Genetics
Classification: Pathogenic for 8q24.3 microdeletion syndrome. Last evaluated: 2018-03-02. Review status: criteria provided, single submitter. Criteria: ACMG Guidelines, 2015. Collection method: clinical testing. Allele origin: de novo. Affected: yes.
Comment: This variant was determined to be pathogenic according to ACMG Guidelines, 2015 [PMID:25741868].

NM_078480.3(PUF60):c.628C>T (p.Gln210Ter)

Gene: PUF60 (poly(U) binding splicing factor 60; minus strand). Cytogenetic location: 8q24.3.
Variant type: single nucleotide variant.
Coding change: c.628C>T on transcript NM_078480.3 (MANE Select); coding-DNA position 628, C replaced by T.
Protein change: p.Gln210Ter; replaces glutamine 210 with a stop codon.
Molecular consequence: nonsense.
Genome position (GRCh38, 1-based): chr8:143,818,051, G>A on the plus strand (C>T on the coding strand, the complement: PUF60 is on the minus strand). VCF-style: chr8-143818051-G-A. GRCh37 (hg19) VCF-style: chr8-144900221-G-A.
Other names: c.499C>T, p.Gln167Ter (NM_001136033.3); c.574C>T, p.Gln192Ter (NM_001271096.2); c.490C>T, p.Gln164Ter (NM_001271097.2); c.625C>T, p.Gln209Ter (NM_001271098.2); c.541C>T, p.Gln181Ter (NM_001271099.2); c.448C>T, p.Gln150Ter (NM_001271100.2); c.739C>T, p.Gln247Ter (NM_001362895.2, NM_001362896.2); c.688C>T, p.Gln230Ter (NM_001362897.2); and 1 more; short protein forms Q164*, Q150*, Q167*, Q193*, Q230*, Q192*, Q181*, Q209*.
Identifiers: ClinVar variation 1034211 (VCV001034211.3), dbSNP rs1816565787, ClinGen allele CA372490978.
Genomic context (GRCh38, chr8:143,818,051, plus strand): 5'-CGTAGATGCGGTTGAAGGCCCGTGCCTCCTCAGCCAACTGGTCTATGATGGGCTGGGCCT[G>A]CCCTATGTTGCTGGGTCTGCCCACCTGGGGAAGAGGCGGTGAGATGGAAAGACCGGTCAA-3'